The following is an entry in ClinVar:

NM_078480.3(PUF60):c.808G>A (p.Gly270Ser)

Gene: PUF60 (poly(U) binding splicing factor 60; minus strand). Cytogenetic location: 8q24.3.
Variant type: single nucleotide variant.
Coding change: c.808G>A on transcript NM_078480.3 (MANE Select); coding-DNA position 808, G replaced by A.
Protein change: p.Gly270Ser; replaces glycine 270 with serine.
Molecular consequence: missense variant.
Genome position (GRCh38, 1-based): chr8:143,817,871, C>T on the plus strand (G>A on the coding strand, the complement: PUF60 is on the minus strand). VCF-style: chr8-143817871-C-T. GRCh37 (hg19) VCF-style: chr8-144900041-C-T.
Other names: c.679G>A, p.Gly227Ser (NM_001136033.3); c.754G>A, p.Gly252Ser (NM_001271096.2); c.670G>A, p.Gly224Ser (NM_001271097.2); c.805G>A, p.Gly269Ser (NM_001271098.2); c.721G>A, p.Gly241Ser (NM_001271099.2); c.628G>A, p.Gly210Ser (NM_001271100.2); c.919G>A, p.Gly307Ser (NM_001362895.2, NM_001362896.2); c.868G>A, p.Gly290Ser (NM_001362897.2); and 1 more; short protein forms G210S, G224S, G227S, G241S, G252S, G253S, G269S, G270S.
Identifiers: ClinVar variation 1335846 (VCV001335846.4), dbSNP rs1306143392, ClinGen allele CA372489999.

ClinVar aggregate classification (germline): Uncertain significance. Review status: criteria provided, multiple submitters, no conflicts (2 of 4 stars). 2 submissions from 2 submitters: Uncertain significance (2). Last evaluated 2025-05-22.

Allele frequency attached by ClinVar (database versions not stated): gnomAD 0.00001.
gnomAD v4.1: 1 of 1,611,950 alleles (0.000062%); highest among the groups gnomAD compares: African/African-American, 0.0013%; no homozygotes.

Submissions (2):

GeneDx
Classification: Uncertain significance. Last evaluated: 2025-05-22. Review status: criteria provided, single submitter. Criteria: GeneDx Variant Classification Process June 2021. Collection method: clinical testing. Allele origin: germline. Affected: yes.
Comment: Not observed at significant frequency in large population cohorts (gnomAD); In silico analysis supports that this missense variant has a deleterious effect on protein structure/function; Has not been previously published as pathogenic or benign to our knowledge

Greenwood Genetic Center Diagnostic Laboratories, Greenwood Genetic Center
Classification: Uncertain significance. Last evaluated: 2025-01-14. Review status: criteria provided, single submitter. Criteria: ACMG Guidelines, 2015. Collection method: clinical testing. Allele origin: germline.
Comment: PM2, PP2